The following is an entry in ClinVar:

ClinVar aggregate classification (germline): Uncertain significance (1 of 4 stars; one submission).

gnomAD v4.1: 3 of 1,578,806 alleles (0.00019%); no homozygotes.

Submission:

CeGaT Center for Human Genetics Tuebingen
Classification: Uncertain significance. Last evaluated: 2023-10-01. Review status: criteria provided, single submitter. Criteria: CeGaT Center For Human Genetics Tuebingen Variant Classification Criteria Version 2. Collection method: clinical testing. Allele origin: germline. Affected: yes. Observed: 1 variant allele.
Comment: POLG: PM2

NM_002693.3(POLG):c.518A>G (p.Glu173Gly)

Genes: POLG (DNA polymerase gamma, catalytic subunit; minus strand), POLGARF (POLG alternative reading frame; minus strand). Cytogenetic location: 15q26.1.
Variant type: single nucleotide variant.
Coding change: c.518A>G on transcript NM_002693.3 (MANE Select); coding-DNA position 518, A replaced by G.
Protein change: p.Glu173Gly; replaces glutamic acid 173 with glycine.
Molecular consequence: missense variant.
Genome position (GRCh38, 1-based): chr15:89,333,237, T>C on the plus strand (A>G on the coding strand, the complement: POLG is on the minus strand). VCF-style: chr15-89333237-T-C. GRCh37 (hg19) VCF-style: chr15-89876468-T-C.
Other names: c.518A>G, p.Glu173Gly (NM_001126131.2); short protein forms E173G.
Identifiers: ClinVar variation 2645693 (VCV002645693.24), dbSNP rs2141814662, ClinGen allele CA393771119.